The following is an entry in ClinVar:

ClinVar aggregate classification (germline): Uncertain significance. Review status: criteria provided, multiple submitters, no conflicts (2 of 4 stars). 2 submissions from 2 submitters: Uncertain significance (2). Last evaluated 2026-02-03.

Conditions:
Rhabdoid tumor predisposition syndrome 2 (RTPS2). Identifiers: Orphanet 231108, Orphanet 69077, MedGen C2750074, MONDO:0013224, OMIM 613325.
Hereditary cancer-predisposing syndrome. Also called: Tumor predisposition; Hereditary neoplastic syndrome; Hereditary Cancer Syndrome; Neoplastic Syndromes, Hereditary. Identifiers: Orphanet 140162, MedGen C0027672, MeSH D009386, MONDO:0015356.

Submissions (2):

Ambry Genetics
Classification: Uncertain significance for Hereditary cancer-predisposing syndrome. Last evaluated: 2026-02-03. Review status: criteria provided, single submitter. Criteria: Ambry Variant Classification Scheme 2023. Collection method: clinical testing. Allele origin: germline.
Comment: The c.3081+3G>A intronic variant results from a G to A substitution 3 nucleotides after coding exon 20 in the SMARCA4 gene. This nucleotide position is not well conserved in available vertebrate species. In silico splice site analysis predicts that this alteration will not have any significant effect on splicing. Based on the available evidence, the clinical significance of this variant remains unclear.

Labcorp Genetics (formerly Invitae), Labcorp
Classification: Uncertain significance for Rhabdoid tumor predisposition syndrome 2. Last evaluated: 2025-04-07. Review status: criteria provided, single submitter. Criteria: Invitae Variant Classification Sherloc (09022015). Collection method: clinical testing. Allele origin: germline.
Comment: This sequence change falls in intron 21 of the SMARCA4 gene. It does not directly change the encoded amino acid sequence of the SMARCA4 protein. It affects a nucleotide within the consensus splice site. This variant is not present in population databases (gnomAD no frequency). This variant has not been reported in the literature in individuals affected with SMARCA4-related conditions. ClinVar contains an entry for this variant (Variation ID: 949260). Variants that disrupt the consensus splice site are a relatively common cause of aberrant splicing (PMID: 17576681, 9536098). Algorithms developed to predict the effect of sequence changes on RNA splicing suggest that this variant is not likely to affect RNA splicing. In summary, the available evidence is currently insufficient to determine the role of this variant in disease. Therefore, it has been classified as a Variant of Uncertain Significance.

Literature cited by the submitters: PubMed 17576681 (cited by Labcorp Genetics (formerly Invitae), Labcorp); PubMed 9536098 (cited by Labcorp Genetics (formerly Invitae), Labcorp).

NM_003072.5(SMARCA4):c.3081+3G>A

Gene: SMARCA4 (SWI/SNF related BAF chromatin remodeling complex subunit ATPase 4; plus strand). Cytogenetic location: 19p13.2.
Variant type: single nucleotide variant.
Coding change: c.3081+3G>A on transcript NM_003072.5 (MANE Select); 3 bases into the intron after coding-DNA position 3081, G replaced by A.
Molecular consequence: intron variant.
Genome position (GRCh38, 1-based): chr19:11,024,441, G>A. VCF-style: chr19-11024441-G-A. GRCh37 (hg19) VCF-style: chr19-11135117-G-A.
Other names: c.3081+3G>A (NM_001128844.3, NM_001128849.3, NM_001128847.4 and 4 more transcripts).
Identifiers: ClinVar variation 949260 (VCV000949260.11), dbSNP rs2090103237, ClinGen allele CA1139666230.